The following is an entry in ClinVar:

ClinVar aggregate classification (germline): Benign/Likely benign. Review status: criteria provided, multiple submitters, no conflicts (2 of 4 stars). 4 submissions from 4 submitters: Benign (1); Likely benign (3). Last evaluated 2025-07-27.

Conditions:
Hereditary cancer-predisposing syndrome. Also called: Hereditary neoplastic syndrome; Tumor predisposition; Neoplastic Syndromes, Hereditary; Hereditary Cancer Syndrome. Identifiers: Orphanet 140162, MedGen C0027672, MeSH D009386, MONDO:0015356.
Tuberous sclerosis 1 (TSC1). Identifiers: Orphanet 805, MedGen C1854465, MONDO:0008612, OMIM 191100.

Allele frequency attached by ClinVar (database versions not stated): gnomAD exomes below 0.00001.
gnomAD v4.1: 1 of 1,614,128 alleles (0.000062%); highest among the groups gnomAD compares: Non-Finnish European, 0.000085%; no homozygotes.

Submissions (4):

Labcorp Genetics (formerly Invitae), Labcorp
Classification: Likely benign for Tuberous sclerosis 1. Last evaluated: 2025-07-27. Review status: criteria provided, single submitter. Criteria: Invitae Variant Classification Sherloc (09022015). Collection method: clinical testing. Allele origin: germline.

Women's Health and Genetics/Laboratory Corporation of America, LabCorp
Classification: Likely benign. Last evaluated: 2025-07-22. Review status: criteria provided, single submitter. Criteria: LabCorp Variant Classification Summary - May 2015. Collection method: clinical testing. Allele origin: germline.

Myriad Genetics, Inc.
Classification: Benign for Tuberous sclerosis 1. Last evaluated: 2025-04-29. Review status: criteria provided, single submitter. Criteria: Myriad Autosomal Dominant, Autosomal Recessive and X-Linked Classification Criteria (2023). Collection method: clinical testing. Allele origin: unknown.
Comment: This variant is considered benign. This variant is a silent/synonymous amino acid change and it is not expected to impact splicing.

Ambry Genetics
Classification: Likely benign for Hereditary cancer-predisposing syndrome. Last evaluated: 2019-09-06. Review status: criteria provided, single submitter. Criteria: Ambry Variant Classification Scheme 2023. Collection method: clinical testing. Allele origin: germline.

NM_000368.5(TSC1):c.2746C>T (p.Leu916=)

Gene: TSC1 (TSC complex subunit 1; minus strand). Cytogenetic location: 9q34.13.
Variant type: single nucleotide variant.
Coding change: c.2746C>T on transcript NM_000368.5 (MANE Select); coding-DNA position 2746, C replaced by T.
Protein change: p.Leu916=; no amino-acid change (leucine 916 retained).
Molecular consequence: synonymous variant.
Genome position (GRCh38, 1-based): chr9:132,897,490, G>A on the plus strand (C>T on the coding strand, the complement: TSC1 is on the minus strand). VCF-style: chr9-132897490-G-A. GRCh37 (hg19) VCF-style: chr9-135772877-G-A.
Other names: c.2743C>T, p.Leu915= (NM_001162426.2); c.2593C>T, p.Leu865= (NM_001162427.2); c.2383C>T, p.Leu795= (NM_001362177.2).
Identifiers: ClinVar variation 1106060 (VCV001106060.13), dbSNP rs2131633483, ClinGen allele CA467812804.